The following is an entry in ClinVar:

NM_000441.2(SLC26A4):c.898A>C (p.Ile300Leu)

Gene: SLC26A4 (solute carrier family 26 member 4; plus strand). Cytogenetic location: 7q22.3.
Variant type: single nucleotide variant.
Coding change: c.898A>C on transcript NM_000441.2 (MANE Select); coding-DNA position 898, A replaced by C.
Protein change: p.Ile300Leu; replaces isoleucine 300 with leucine.
Molecular consequence: missense variant.
Genome position (GRCh38, 1-based): chr7:107,683,334, A>C. VCF-style: chr7-107683334-A-C. GRCh37 (hg19) VCF-style: chr7-107323779-A-C.
Other names: short protein forms I300L.
Identifiers: ClinVar variation 43570 (VCV000043570.53), dbSNP rs111033304, ClinGen allele CA132740.

ClinVar aggregate classification (germline): Benign/Likely benign. Review status: criteria provided, multiple submitters, no conflicts (2 of 4 stars). 13 submissions from 13 submitters: Benign (5); Likely benign (3). 5 of the submissions do not count toward it. Last evaluated 2026-02-02.

Conditions:
SLC26A4-related disorder. Also called: SLC26A4-related condition; SLC26A4-related disorders.
Autosomal recessive nonsyndromic hearing loss 4 (DFNB4). Also called: FOXI1-Related Pendred Syndrome; KCNJ10-Related Pendred Syndrome; DEAFNESS, AUTOSOMAL RECESSIVE 4, WITH ENLARGED VESTIBULAR AQUEDUCT, DIGENIC; Deafness, autosomal recessive 4; Nonsyndromic enlarged vestibular aqueduct (NSEVA); NEUROSENSORY NONSYNDROMIC RECESSIVE DEAFNESS 4. Identifiers: Orphanet 90636, MedGen C3538946, MONDO:0010933, OMIM 600791.
Pendred syndrome (PDS). Also called: Pendred's syndrome; DEAFNESS WITH GOITER; GOITER-DEAFNESS SYNDROME; HYPOTHYROIDISM, CONGENITAL, DUE TO DYSHORMONOGENESIS, 2B; THYROID DYSHORMONOGENESIS 2B; THYROID HORMONOGENESIS, GENETIC DEFECT IN, 2B. Identifiers: Orphanet 705, MedGen C0271829, MONDO:0010134, OMIM 274600.

Allele frequency attached by ClinVar (database versions not stated): gnomAD exomes 0.00100; ESP Exome Variant Server 0.00354; gnomAD 0.00423 and 0.00450; TOPMed 0.00475; 1000 Genomes Project 0.00479; 1000 Genomes Project 30x 0.00578.
gnomAD v4.1: 1,234 of 1,613,866 alleles (0.076%); highest among the groups gnomAD compares: African/African-American, 1.5%; 12 homozygotes.

Submissions (13):

Labcorp Genetics (formerly Invitae), Labcorp
Classification: Benign. Last evaluated: 2026-02-02. Review status: criteria provided, single submitter. Criteria: Invitae Variant Classification Sherloc (09022015). Collection method: clinical testing. Allele origin: germline.

CeGaT Center for Human Genetics Tuebingen
Classification: Benign. Last evaluated: 2023-02-01. Review status: criteria provided, single submitter. Criteria: CeGaT Center For Human Genetics Tuebingen Variant Classification Criteria Version 2. Collection method: clinical testing. Allele origin: germline. Affected: yes. Observed: 1 variant allele.
Comment: SLC26A4: BS1, BS2

Fulgent Genetics
Classification: Likely benign for Pendred syndrome; Autosomal recessive nonsyndromic hearing loss 4. Last evaluated: 2022-01-03. Review status: criteria provided, single submitter. Criteria: ACMG Guidelines, 2015. Collection method: clinical testing. Allele origin: unknown.

GeneDx
Classification: Benign. Last evaluated: 2018-11-15. Review status: criteria provided, single submitter. Criteria: GeneDx Variant Classification Process June 2021. Collection method: clinical testing. Allele origin: germline. Affected: yes.
Comment: This variant is associated with the following publications: (PMID: 25394566, 23617710, 21045265, 23280318, 30245029)

Athena Diagnostics
Classification: Likely benign. Last evaluated: 2018-11-14. Review status: criteria provided, single submitter. Criteria: Athena Diagnostics Criteria. Collection method: clinical testing. Allele origin: germline.

Genetic Services Laboratory, University of Chicago
Classification: Benign. Last evaluated: 2017-10-30. Review status: criteria provided, single submitter. Criteria: ACMG Guidelines, 2015. Collection method: clinical testing. Allele origin: germline. Affected: no.

Laboratory for Molecular Medicine, Mass General Brigham Personalized Medicine
Classification: Benign. Last evaluated: 2011-06-21. Review status: criteria provided, single submitter. Criteria: LMM Criteria. Collection method: clinical testing. Allele origin: germline. Observed: 10 variant alleles.
Comment: Ile300Leu in exon 7 of SLC26A4: This variant is predicted to be benign because i t has been identified in 1.3% (140/10384) of African chromosomes including 3 hom ozygotes by the Exome Aggregation Consortium (ExAC, rg; dbSNP rs111033304).

Breakthrough Genomics
Classification: Likely benign. Review status: criteria provided, single submitter. Criteria: ACMG Guidelines, 2015. Collection method: not provided. Allele origin: germline. Inheritance: Autosomal recessive inheritance. Affected: yes.

Natera, Inc.
Classification: Benign for Pendred syndrome. Last evaluated: 2020-01-01. Review status: no assertion criteria provided. Collection method: clinical testing. Allele origin: germline. Not counted in ClinVar's aggregate classification.

PreventionGenetics, part of Exact Sciences
Classification: Benign for SLC26A4-related condition. Last evaluated: 2019-07-24. Review status: no assertion criteria provided. Collection method: clinical testing. Allele origin: germline. Not counted in ClinVar's aggregate classification.
Comment: This variant is classified as benign based on ACMG/AMP sequence variant interpretation guidelines (Richards et al. 2015 PMID: 25741868, with internal and published modifications).

Counsyl
Classification: Likely benign for Pendred's syndrome. Last evaluated: 2014-04-26. Review status: no assertion criteria provided. Collection method: literature only. Allele origin: unknown. Inheritance: Autosomal recessive inheritance. Not counted in ClinVar's aggregate classification.

Clinical Genetics DNA and cytogenetics Diagnostics Lab, Erasmus MC, Erasmus Medical Center
Classification: Benign. Review status: no assertion criteria provided. Collection method: clinical testing. Allele origin: germline. Affected: yes. Study: VKGL Data-share Consensus. Not counted in ClinVar's aggregate classification.

Joint Genome Diagnostic Labs from Nijmegen and Maastricht, Radboudumc and MUMC+
Classification: Likely benign. Review status: no assertion criteria provided. Collection method: clinical testing. Allele origin: germline. Affected: yes. Study: VKGL Data-share Consensus. Not counted in ClinVar's aggregate classification.

Literature cited by the submitters: PubMed 21045265 (cited by Athena Diagnostics and Counsyl); PubMed 25394566 (cited by Athena Diagnostics); PubMed 23280318 (cited by Athena Diagnostics and Counsyl); PubMed 21704276 (cited by Athena Diagnostics and Counsyl); PubMed 23617710 (cited by Athena Diagnostics).